The following is an entry in ClinVar:

ClinVar aggregate classification (germline): Likely pathogenic (1 of 4 stars; one submission).

Conditions:
Global developmental delay with or without impaired intellectual development. Identifiers: MedGen C5193032, MONDO:0032680, OMIM 618330.

Submission:

3billion
Classification: Likely pathogenic for Global developmental delay with or without impaired intellectual development. Last evaluated: 2024-01-29. Review status: criteria provided, single submitter. Criteria: ACMG Guidelines, 2015. Collection method: clinical testing. Allele origin: germline. Affected: yes.
Comment: The variant is not observed in the gnomAD v2.1.1 dataset. Predicted Consequence/Location: Stop-gained (nonsense): predicted to result in a loss or disruption of normal protein function through nonsense-mediated decay (NMD) or protein truncation. Multiple pathogenic variants are reported downstream of the variant. Therefore, this variant is classified as Likely pathogenic according to the recommendation of ACMG/AMP guideline.

NM_181552.4(CUX1):c.16G>T (p.Gly6Ter)

Gene: CUX1 (cut like homeobox 1; plus strand). Cytogenetic location: 7q22.1.
Variant type: single nucleotide variant.
Coding change: c.16G>T on transcript NM_181552.4 (MANE Select); coding-DNA position 16, G replaced by T.
Protein change: p.Gly6Ter; replaces glycine 6 with a stop codon.
Molecular consequence: nonsense. On other transcripts: intron variant (6).
Genome position (GRCh38, 1-based): chr7:101,817,655, G>T. VCF-style: chr7-101817655-G-T. GRCh37 (hg19) VCF-style: chr7-101460935-G-T.
Other names: c.63+1562G>T (NM_001913.5, NM_181500.4, NM_001202545.3 and 3 more transcripts); short protein forms G6*.
Identifiers: ClinVar variation 3776291 (VCV003776291.1).
Genomic context (GRCh38, chr7:101,817,655, plus strand): 5'-TCGGCGCCCGCGGCGCCGGGACAGCCCCGGGACTCTGCCAGGTGGATGTTGTGCGTAGCC[G>T]GAGCCAGGTTGAAGGTGAGCGGCGTGTGGGCCAGAAGTCCCGAGGTTGCAGGCGCGGAGG-3'